The following is an entry in ClinVar:

NM_000094.4(COL7A1):c.1045_1046del (p.Ser349fs)

Gene: COL7A1 (collagen type VII alpha 1 chain; minus strand). Cytogenetic location: 3p21.31.
Variant type: Deletion.
Coding change: c.1045_1046del on transcript NM_000094.4 (MANE Select); coding-DNA positions 1045 to 1046, 2 bases deleted (AG; older notation c.1045_1046delAG).
Protein change: p.Ser349fs; shifts the reading frame from serine 349.
Molecular consequence: frameshift variant.
Genome position (GRCh38, 1-based): chr3:48,592,398-48,592,399, CT deleted on the plus strand (AG on the coding strand, the reverse complement: COL7A1 is on the minus strand); deleting any 2 consecutive bases within chr3:48,592,398-48,592,400 gives the same sequence; the c. name uses the placement nearest the transcript's 3' end. VCF-style (leftmost placement, unchanged base first): chr3-48592397-ACT-A. GRCh37 (hg19) VCF-style: chr3-48629830-ACT-A.
Other names: short protein forms S349fs.
Identifiers: ClinVar variation 1074775 (VCV001074775.5), dbSNP rs2107793116, ClinGen allele CA2499216888.
Genomic context (GRCh38, chr3:48,592,397, plus strand): 5'-CATCTCTCACTCACCACTGAGGACCCGCCATGTCACACGGTAGCCAGTGGCACCTGGCAC[ACT>A]CCGCCAGGCCACCAGGAGGCTGTGGGCTGTGGTATTCTGGATGGTCAGTTCCGGCCCTTC-3'

ClinVar aggregate classification (germline): Pathogenic (1 of 4 stars; one submission).

Submission:

Labcorp Genetics (formerly Invitae), Labcorp
Classification: Pathogenic. Last evaluated: 2020-10-02. Review status: criteria provided, single submitter. Criteria: Invitae Variant Classification Sherloc (09022015). Collection method: clinical testing. Allele origin: germline.
Comment: This sequence change creates a premature translational stop signal (p.Ser349Cysfs*35) in the COL7A1 gene. It is expected to result in an absent or disrupted protein product. This variant is not present in population databases (ExAC no frequency). This variant has not been reported in the literature in individuals with COL7A1-related conditions. Algorithms developed to predict the effect of sequence changes on RNA splicing suggest that this variant may create or strengthen a splice site, but this prediction has not been confirmed by published transcriptional studies. Loss-of-function variants in COL7A1 are known to be pathogenic (PMID: 16971478). For these reasons, this variant has been classified as Pathogenic.

Literature cited by the submitters: PubMed 16971478.